The following is an entry in ClinVar:

ClinVar aggregate classification (germline): Likely benign. Review status: criteria provided, multiple submitters, no conflicts (2 of 4 stars). 2 submissions from 2 submitters: Likely benign (2). Last evaluated 2018-01-12.

Conditions:
Junctional epidermolysis bullosa with pyloric atresia. Also called: Epidermolysis bullosa, junctional, with pyloric atresia and aplasia cutis congenita; Epidermolysis bullosa junctionalis with pyloric atresia; EPIDERMOLYSIS BULLOSA, JUNCTIONAL 5B, WITH PYLORIC ATRESIA; APLASIA CUTIS CONGENITA WITH GASTROINTESTINAL ATRESIA; CARMI SYNDROME; EB-PA-ACC. Identifiers: Orphanet 79403, MedGen C5676875, MONDO:0009183, OMIM 226730.

Allele frequency attached by ClinVar (database versions not stated): gnomAD exomes 0.00037; 1000 Genomes Project 30x 0.00187; 1000 Genomes Project 0.00220; gnomAD 0.00320 and 0.00350; TOPMed 0.00361.
gnomAD v4.1: 573 of 388,368 alleles (0.15%); highest among the groups gnomAD compares: African/African-American, 1.1%; 3 homozygotes.

Submissions (2):

Illumina Laboratory Services, Illumina
Classification: Likely benign for Junctional epidermolysis bullosa with pyloric atresia. Last evaluated: 2018-01-12. Review status: criteria provided, single submitter. Criteria: ICSL Variant Classification Criteria 13 December 2019. Collection method: clinical testing. Allele origin: germline.
Comment: This variant was observed in the ICSL laboratory as part of a predisposition screen in an ostensibly healthy population. It had not been previously curated by ICSL or reported in the Human Gene Mutation Database (HGMD: prior to June 1st, 2018), and was therefore a candidate for classification through an automated scoring system. Utilizing variant allele frequency, disease prevalence and penetrance estimates, and inheritance mode, an automated score was calculated to assess if this variant is too frequent to cause the disease. Based on the score and internal cut-off values, a variant classified as likely benign is not then subjected to further curation. The score for this variant resulted in a classification of likely benign for this disease.

Breakthrough Genomics
Classification: Likely benign. Review status: criteria provided, single submitter. Criteria: ACMG Guidelines, 2015. Collection method: not provided. Allele origin: germline. Inheritance: Autosomal recessive inheritance. Affected: yes.

NM_000210.4(ITGA6):c.*408C>T

Genes: ITGA6 (integrin subunit alpha 6; plus strand), PDK1-AS1 (PDK1 and ITGA6 antisense RNA 1; minus strand). Cytogenetic location: 2q31.1.
Variant type: single nucleotide variant.
Coding change: c.*408C>T on transcript NM_000210.4 (MANE Select); 408 bases downstream of the stop codon, C replaced by T.
Molecular consequence: 3 prime UTR variant.
Genome position (GRCh38, 1-based): chr2:172,504,476, C>T. VCF-style: chr2-172504476-C-T. GRCh37 (hg19) VCF-style: chr2-173369204-C-T.
Other names: c.*224C>T (NM_001079818.3, NM_001365529.2); c.*408C>T (NM_001316306.2, NM_001365530.2).
Identifiers: ClinVar variation 894631 (VCV000894631.5), dbSNP rs114499545, ClinGen allele CA60697105.